The following is an entry in ClinVar:

ClinVar aggregate classification (germline): Pathogenic/Likely pathogenic. Review status: criteria provided, multiple submitters, no conflicts (2 of 4 stars). 2 submissions from 2 submitters: Pathogenic (1); Likely pathogenic (1). Last evaluated 2023-08-01.

Conditions:
Hypotonia, infantile, with psychomotor retardation and characteristic facies 2 (IHPRF2). Also called: UNC80 Deficiency. Identifiers: Orphanet 371364, Orphanet 700333, MedGen C4225203, MONDO:0014777, OMIM 616801.

Submissions (2):

Women's Health and Genetics/Laboratory Corporation of America, LabCorp
Classification: Pathogenic for Hypotonia, infantile, with psychomotor retardation and characteristic facies 2. Last evaluated: 2023-08-01. Review status: criteria provided, single submitter. Criteria: LabCorp Variant Classification Summary - May 2015. Collection method: clinical testing. Allele origin: germline.
Comment: Variant summary: UNC80 c.5372_5373delTG (p.Val1791GlufsX30) results in a premature termination codon, predicted to cause a truncation of the encoded protein or absence of the protein due to nonsense mediated decay, which are commonly known mechanisms for disease. Variants downstream of this position have been classified as pathogenic in ClinVar database. The variant was absent in 158564 control chromosomes (gnomAD). To our knowledge, no occurrence of c.5372_5373delTG in individuals affected with Infantile Hypotonia With Psychomotor Retardation And Characteristic Facies 2 and no experimental evidence demonstrating its impact on protein function have been reported. One submitter has cited clinical-significance assessments for this variant to ClinVar after 2014 and has classified the variant as likely pathogenic. Based on the evidence outlined above, the variant was classified as pathogenic.

Genomic Research Center, Shahid Beheshti University of Medical Sciences
Classification: Likely pathogenic. Last evaluated: 2020-05-03. Review status: criteria provided, single submitter. Criteria: ACMG Guidelines, 2015. Collection method: clinical testing. Allele origin: unknown. Affected: no.

NM_001371986.1(UNC80):c.5570_5571del (p.Val1857fs)

Gene: UNC80 (unc-80 subunit of NALCN channel complex; plus strand). Cytogenetic location: 2q34.
Variant type: Microsatellite.
Coding change: c.5570_5571del on transcript NM_001371986.1 (MANE Select); coding-DNA positions 5570 to 5571, 2 bases deleted (TG; older notation c.5570_5571delTG).
Protein change: p.Val1857fs; shifts the reading frame from valine 1857.
Molecular consequence: frameshift variant.
Genome position (GRCh38, 1-based): chr2:209,922,291-209,922,292, TG deleted; deleting any 2 consecutive bases within chr2:209,922,289-209,922,292 gives the same sequence; the c. name uses the placement nearest the transcript's 3' end. VCF-style (leftmost placement, unchanged base first): chr2-209922288-CTG-C. GRCh37 (hg19) VCF-style: chr2-210787012-CTG-C.
Other names: c.5372_5373del, p.Val1791fs (NM_032504.2); c.5357_5358del, p.Val1786fs (NM_182587.4); c.5372_5373delTG (NM_032504.1); short protein forms V1791fs, V1857fs, V1786fs.
Identifiers: ClinVar variation 915342 (VCV000915342.4), dbSNP rs2090097617, ClinGen allele CA1139657679.